The following is an entry in ClinVar:

NM_005960.2(MUC3A):c.7008C>T (p.His2336=)

Gene: MUC3A (mucin 3A, cell surface associated; plus strand). Cytogenetic location: 7q22.1.
Variant type: single nucleotide variant.
Coding change: c.7008C>T on transcript NM_005960.2 (MANE Select); coding-DNA position 7008, C replaced by T.
Protein change: p.His2336=; no amino-acid change (histidine 2336 retained).
Molecular consequence: synonymous variant.
Genome position (GRCh38, 1-based): chr7:100,958,787, C>T. VCF-style: chr7-100958787-C-T. GRCh37 (hg19) VCF-style: chr7-100550916-C-T.
Identifiers: ClinVar variation 2657784 (VCV002657784.24), dbSNP rs575666641, ClinGen allele CA576716866.
Genomic context (GRCh38, chr7:100,958,787, plus strand): 5'-CACCTCACACAGTGCTCACAGCTTCACTTCTTCGATCACCACCACCGAGACCACCTCACA[C>T]AATACTCGCAGCTTCACTTCTTCGATCACCACCACCGAGACCAACTCTCACAGTACTACC-3'
Protein context (NP_005951.1, residues 2326-2346): SSITTTETTS[His2336=]NTRSFTSSIT

ClinVar aggregate classification (germline): Likely benign (1 of 4 stars; one submission).

Submission:

CeGaT Center for Human Genetics Tuebingen
Classification: Likely benign. Last evaluated: 2023-08-01. Review status: criteria provided, single submitter. Criteria: CeGaT Center For Human Genetics Tuebingen Variant Classification Criteria Version 2. Collection method: clinical testing. Allele origin: germline. Affected: yes. Observed: 1 variant allele.
Comment: MUC3A: PM2:Supporting, BP4, BP7